The following is an entry in ClinVar:

NM_025114.4(CEP290):c.3561dup (p.Leu1188fs)

Gene: CEP290 (centrosomal protein 290; minus strand). Cytogenetic location: 12q21.32.
Variant type: Duplication.
Coding change: c.3561dup on transcript NM_025114.4 (MANE Select); coding-DNA position 3561, one base duplicated (G; older notation c.3561dupG).
Protein change: p.Leu1188fs; shifts the reading frame from leucine 1188.
Molecular consequence: frameshift variant.
Genome position (GRCh38, 1-based): chr12:88,090,740, C duplicated on the plus strand (G on the coding strand, the reverse complement: CEP290 is on the minus strand). VCF-style (leftmost placement, unchanged base first): chr12-88090739-G-GC. GRCh37 (hg19) VCF-style: chr12-88484516-G-GC.
Other names: short protein forms L1188fs.
Identifiers: ClinVar variation 5015494 (VCV005015494.1).

ClinVar aggregate classification (germline): Pathogenic (1 of 4 stars; one submission).

Conditions:
CEP290-related ciliopathy. Also called: CEP290 ciliopathy. Identifiers: MedGen CN305601, MONDO:0100451.

Submission:

Myriad Genetics, Inc.
Classification: Pathogenic for CEP290-related ciliopathy. Last evaluated: 2026-01-27. Review status: criteria provided, single submitter. Criteria: Myriad Autosomal Dominant, Autosomal Recessive and X-Linked Classification Criteria (2023). Collection method: clinical testing. Allele origin: unknown.
Comment: NM_025114.3(CEP290):c.3561dupG(L1188Afs*8) is expected to be pathogenic in the context of CEP290-related disorders. This variant is predicted to lead to an abnormal or absent protein product due to the creation of a premature termination codon in CEP290, a gene where loss-of-function variants are known to be pathogenic. Please note: this variant was assessed in the context of healthy population screening.